The following is an entry in ClinVar:

NM_001792.5(CDH2):c.1166G>C (p.Gly389Ala)

Gene: CDH2 (cadherin 2; minus strand). Cytogenetic location: 18q12.1.
Variant type: single nucleotide variant.
Coding change: c.1166G>C on transcript NM_001792.5 (MANE Select); coding-DNA position 1166, G replaced by C.
Protein change: p.Gly389Ala; replaces glycine 389 with alanine.
Molecular consequence: missense variant.
Genome position (GRCh38, 1-based): chr18:27,992,833, C>G on the plus strand (G>C on the coding strand, the complement: CDH2 is on the minus strand). VCF-style: chr18-27992833-C-G. GRCh37 (hg19) VCF-style: chr18-25572797-C-G.
Other names: c.1073G>C, p.Gly358Ala (NM_001308176.2); short protein forms G358A, G389A.
Identifiers: ClinVar variation 4764932 (VCV004764932.1).

ClinVar aggregate classification (germline): Uncertain significance (1 of 4 stars; one submission).

gnomAD v4.1: 6 of 1,611,996 alleles (0.00037%); highest among the groups gnomAD compares: African/African-American, 0.0013%; no homozygotes.

Submission:

Labcorp Genetics (formerly Invitae), Labcorp
Classification: Uncertain significance. Last evaluated: 2026-01-13. Review status: criteria provided, single submitter. Criteria: Invitae Variant Classification Sherloc (09022015). Collection method: clinical testing. Allele origin: germline.
Comment: This sequence change replaces glycine, which is neutral and non-polar, with alanine, which is neutral and non-polar, at codon 389 of the CDH2 protein (p.Gly389Ala). This variant is present in population databases (rs753115623, gnomAD 0.002%). This variant has not been reported in the literature in individuals affected with CDH2-related conditions. An algorithm developed to predict the effect of missense changes on protein structure and function (PolyPhen-2) suggests that this variant is likely to be tolerated. In summary, the available evidence is currently insufficient to determine the role of this variant in disease. Therefore, it has been classified as a Variant of Uncertain Significance.